The following is an entry in ClinVar:

NM_001134407.3(GRIN2A):c.2224del (p.Asp742fs)

Gene: GRIN2A (glutamate ionotropic receptor NMDA type subunit 2A; minus strand). Cytogenetic location: 16p13.2.
Variant type: Deletion.
Coding change: c.2224del on transcript NM_001134407.3 (MANE Select); coding-DNA position 2224, one base deleted (G; older notation c.2224delG).
Protein change: p.Asp742fs; shifts the reading frame from aspartic acid 742.
Molecular consequence: frameshift variant.
Genome position (GRCh38, 1-based): chr16:9,798,409, C deleted on the plus strand (G on the coding strand, the reverse complement: GRIN2A is on the minus strand); the first of 3 consecutive C bases (chr16:9,798,409-9,798,411); deleting any one gives the same sequence. VCF-style (leftmost placement, unchanged base first): chr16-9798408-TC-T. GRCh37 (hg19) VCF-style: chr16-9892265-TC-T.
Other names: c.2224del, p.Asp742fs (NM_000833.5, NM_001134408.2); short protein forms D742fs.
Identifiers: ClinVar variation 2032824 (VCV002032824.4), dbSNP rs2506039338, ClinGen allele CA2580092097.

ClinVar aggregate classification (germline): Pathogenic (1 of 4 stars; one submission).

Conditions:
Landau-Kleffner syndrome (FESD). Also called: EPILEPSY, FOCAL, WITH SPEECH DISORDER AND WITH OR WITHOUT MENTAL RETARDATION; APHASIA, ACQUIRED, WITH EPILEPSY. Identifiers: Orphanet 1945, Orphanet 725, Orphanet 98818, MedGen C0282512, MONDO:0009509, OMIM 245570.

Submission:

Labcorp Genetics (formerly Invitae), Labcorp
Classification: Pathogenic for Landau-Kleffner syndrome. Last evaluated: 2023-10-03. Review status: criteria provided, single submitter. Criteria: Invitae Variant Classification Sherloc (09022015). Collection method: clinical testing. Allele origin: germline.
Comment: This sequence change creates a premature translational stop signal (p.Asp742Metfs*7) in the GRIN2A gene. It is expected to result in an absent or disrupted protein product. Loss-of-function variants in GRIN2A are known to be pathogenic (PMID: 23933819, 23933820). This variant is not present in population databases (gnomAD no frequency). This variant has not been reported in the literature in individuals affected with GRIN2A-related conditions. ClinVar contains an entry for this variant (Variation ID: 2032824). For these reasons, this variant has been classified as Pathogenic.

Literature cited by the submitters: PubMed 23933819; PubMed 23933820.